The following is an entry in ClinVar:

ClinVar aggregate classification (germline): Uncertain significance (1 of 4 stars; one submission).

Allele frequency attached by ClinVar (database versions not stated): TOPMed below 0.00001; ExAC 0.00001.

Submission:

Labcorp Genetics (formerly Invitae), Labcorp
Classification: Uncertain significance. Last evaluated: 2024-10-26. Review status: criteria provided, single submitter. Criteria: Invitae Variant Classification Sherloc (09022015). Collection method: clinical testing. Allele origin: germline.
Comment: This sequence change replaces valine, which is neutral and non-polar, with isoleucine, which is neutral and non-polar, at codon 357 of the FAM111A protein (p.Val357Ile). This variant is present in population databases (rs773118057, gnomAD 0.0009%). This variant has not been reported in the literature in individuals affected with FAM111A-related conditions. Invitae Evidence Modeling of protein sequence and biophysical properties (such as structural, functional, and spatial information, amino acid conservation, physicochemical variation, residue mobility, and thermodynamic stability) indicates that this missense variant is not expected to disrupt FAM111A protein function with a negative predictive value of 80%. In summary, the available evidence is currently insufficient to determine the role of this variant in disease. Therefore, it has been classified as a Variant of Uncertain Significance.

NM_001312909.2(FAM111A):c.1069G>A (p.Val357Ile)

Gene: FAM111A (FAM111 trypsin like peptidase A; plus strand). Cytogenetic location: 11q12.1.
Variant type: single nucleotide variant.
Coding change: c.1069G>A on transcript NM_001312909.2 (MANE Select); coding-DNA position 1069, G replaced by A.
Protein change: p.Val357Ile; replaces valine 357 with isoleucine.
Molecular consequence: missense variant.
Genome position (GRCh38, 1-based): chr11:59,152,737, G>A. VCF-style: chr11-59152737-G-A. GRCh37 (hg19) VCF-style: chr11-58920210-G-A.
Other names: c.1069G>A, p.Val357Ile (NM_001374862.1, NM_001374863.1, NM_001374864.1 and 29 more transcripts); short protein forms V357I.
Identifiers: ClinVar variation 2828946 (VCV002828946.3), dbSNP rs773118057, ClinGen allele CA6016701.
Genomic context (GRCh38, chr11:59,152,737, plus strand): 5'-GTAACAAAAAATTCTTCTTCGATTAAAGTAGTGAAACTTCTTGTACGTCTCAGTGACTCA[G>A]TTGGGTACTTATTCTGGGACAGTGCAACTACGGGTTACGCCACCTGCTTTGTTTTTAAAG-3'
Protein context (NP_001299838.1, residues 347-367): VKLLVRLSDS[Val357Ile]GYLFWDSATT